The following is an entry in ClinVar:

ClinVar aggregate classification (germline): Uncertain significance (1 of 4 stars; one submission).

Conditions:
Immunodeficiency. Identifiers: MedGen C0021051, MONDO:0021094, HP:0002721.

gnomAD v4.1: 1 of 1,614,184 alleles (0.000062%); highest among the groups gnomAD compares: Non-Finnish European, 0.000085%; no homozygotes.

Submission:

Labcorp Genetics (formerly Invitae), Labcorp
Classification: Uncertain significance for Immunodeficiency. Last evaluated: 2025-09-18. Review status: criteria provided, single submitter. Criteria: Invitae Variant Classification Sherloc (09022015). Collection method: clinical testing. Allele origin: germline.
Comment: This sequence change replaces threonine, which is neutral and polar, with isoleucine, which is neutral and non-polar, at codon 894 of the NFAT5 protein (p.Thr894Ile). This variant is present in population databases (no rsID available, gnomAD 0.0009%). This variant has not been reported in the literature in individuals affected with NFAT5-related conditions. An algorithm developed to predict the effect of missense changes on protein structure and function (PolyPhen-2) suggests that this variant is likely to be tolerated. In summary, the available evidence is currently insufficient to determine the role of this variant in disease. Therefore, it has been classified as a Variant of Uncertain Significance.

NM_138713.4(NFAT5):c.2963C>T (p.Thr988Ile)

Gene: NFAT5 (nuclear factor of activated T cells 5; plus strand). Cytogenetic location: 16q22.1.
Variant type: single nucleotide variant.
Coding change: c.2963C>T on transcript NM_138713.4 (MANE Select); coding-DNA position 2963, C replaced by T.
Protein change: p.Thr988Ile; replaces threonine 988 with isoleucine.
Molecular consequence: missense variant.
Genome position (GRCh38, 1-based): chr16:69,692,788, C>T. VCF-style: chr16-69692788-C-T. GRCh37 (hg19) VCF-style: chr16-69726691-C-T.
Other names: c.2960C>T, p.Thr987Ile (NM_001113178.3); c.2288C>T, p.Thr763Ile (NM_001367709.1); c.2909C>T, p.Thr970Ile (NM_006599.4); c.2681C>T, p.Thr894Ile (NM_138714.4, NM_173214.3, NM_173215.3); short protein forms T763I, T894I, T970I, T987I, T988I.
Identifiers: ClinVar variation 4724819 (VCV004724819.1).
Genomic context (GRCh38, chr16:69,692,788, plus strand): 5'-TGCAGTGTGAATTGTTTTCTTCTCCTCCTGCAGTTTCTGGAAATGAAACTTCTACAACTA[C>T]CACACAGCAGGTTGCAACCCCTGGCACTACCATGTTTCAGACATCAAGTTCAGGAGATGG-3'
Protein context (NP_619727.2, residues 978-998): AVSGNETSTT[Thr988Ile]TQQVATPGTT